The following is an entry in ClinVar:

NM_000038.6(APC):c.5720C>G (p.Ala1907Gly)

Gene: APC (APC regulator of Wnt signaling pathway; plus strand). Cytogenetic location: 5q22.2.
Variant type: single nucleotide variant.
Coding change: c.5720C>G on transcript NM_000038.6 (MANE Select); coding-DNA position 5720, C replaced by G.
Protein change: p.Ala1907Gly; replaces alanine 1907 with glycine.
Molecular consequence: missense variant.
Genome position (GRCh38, 1-based): chr5:112,841,314, C>G. VCF-style: chr5-112841314-C-G. GRCh37 (hg19) VCF-style: chr5-112177011-C-G.
Other names: c.5333C>G, p.Ala1778Gly (NM_001407467.1, NM_001407469.1); c.4568C>G, p.Ala1523Gly (NM_001407471.1, NM_001407472.1); c.4871C>G, p.Ala1624Gly (NM_001407470.1, NM_001354906.2); c.5417C>G, p.Ala1806Gly (NM_001407459.1, NM_001407460.1, NM_001354903.2 and 1 more transcripts); c.5720C>G, p.Ala1907Gly (NM_001127510.3, NM_001354895.2, NM_001407450.1); c.5666C>G, p.Ala1889Gly (NM_001127511.3); c.5774C>G, p.Ala1925Gly (NM_001354896.2, NM_001407447.1, NM_001407448.1 and 1 more transcripts); c.5750C>G, p.Ala1917Gly (NM_001354897.2); and 11 more; short protein forms A1523G, A1816G, A1866G, A1917G, A1624G, A1778G, A1824G, A1848G.
Identifiers: ClinVar variation 1749285 (VCV001749285.2), dbSNP rs573184569, ClinGen allele CA16033854.

ClinVar aggregate classification (germline): Uncertain significance (1 of 4 stars; one submission).

Conditions:
Hereditary cancer-predisposing syndrome. Also called: Hereditary Cancer Syndrome; Hereditary neoplastic syndrome; Neoplastic Syndromes, Hereditary; Tumor predisposition. Identifiers: Orphanet 140162, MedGen C0027672, MeSH D009386, MONDO:0015356.

Submission:

Ambry Genetics
Classification: Uncertain significance for Hereditary cancer-predisposing syndrome. Last evaluated: 2020-07-22. Review status: criteria provided, single submitter. Criteria: Ambry Variant Classification Scheme 2023. Collection method: clinical testing. Allele origin: germline.
Comment: The p.A1907G variant (also known as c.5720C>G), located in coding exon 15 of the APC gene, results from a C to G substitution at nucleotide position 5720. The alanine at codon 1907 is replaced by glycine, an amino acid with similar properties. This amino acid position is not well conserved in available vertebrate species. In addition, in silico predictors for this gene do not accurately predict pathogenicity. Since supporting evidence is limited at this time, the clinical significance of this alteration remains unclear.